The following is an entry in ClinVar:

NM_173076.3(ABCA12):c.709A>C (p.Asn237His)

Gene: ABCA12 (ATP binding cassette subfamily A member 12; minus strand). Cytogenetic location: 2q35.
Variant type: single nucleotide variant.
Coding change: c.709A>C on transcript NM_173076.3 (MANE Select); coding-DNA position 709, A replaced by C.
Protein change: p.Asn237His; replaces asparagine 237 with histidine.
Molecular consequence: missense variant. On other transcripts: non-coding transcript variant (1).
Genome position (GRCh38, 1-based): chr2:215,046,000, T>G on the plus strand (A>C on the coding strand, the complement: ABCA12 is on the minus strand). VCF-style: chr2-215046000-T-G. GRCh37 (hg19) VCF-style: chr2-215910724-T-G.
Other names: short protein forms N237H.
Identifiers: ClinVar variation 334276 (VCV000334276.15), dbSNP rs11890512, ClinGen allele CA2092455.

ClinVar aggregate classification (germline): Benign/Likely benign. Review status: criteria provided, multiple submitters, no conflicts (2 of 4 stars). 5 submissions from 5 submitters: Benign (4); Likely benign (1). Last evaluated 2026-02-04.

Conditions:
Congenital ichthyosis of skin. Identifiers: MedGen C0020758.

Allele frequency attached by ClinVar (database versions not stated): gnomAD exomes 0.02484 and 0.04943; ExAC 0.05846; gnomAD 0.14531 and 0.15465; ESP Exome Variant Server 0.16016; TOPMed 0.16441; 1000 Genomes Project 0.16514; 1000 Genomes Project 30x 0.17598.
gnomAD v4.1: 59,187 of 1,613,348 alleles (3.7%); highest among the groups gnomAD compares: African/African-American, 48%; 9,148 homozygotes.

Submissions (5):

Labcorp Genetics (formerly Invitae), Labcorp
Classification: Benign. Last evaluated: 2026-02-04. Review status: criteria provided, single submitter. Criteria: Invitae Variant Classification Sherloc (09022015). Collection method: clinical testing. Allele origin: germline.

Women's Health and Genetics/Laboratory Corporation of America, LabCorp
Classification: Likely benign. Last evaluated: 2025-09-14. Review status: criteria provided, single submitter. Criteria: LabCorp Variant Classification Summary - May 2015. Collection method: clinical testing. Allele origin: germline.

Illumina Laboratory Services, Illumina
Classification: Benign for Congenital ichthyosis of skin. Last evaluated: 2018-01-13. Review status: criteria provided, single submitter. Criteria: ICSL Variant Classification Criteria 13 December 2019. Collection method: clinical testing. Allele origin: germline.
Comment: This variant was observed in the ICSL laboratory as part of a predisposition screen in an ostensibly healthy population. It had not been previously curated by ICSL or reported in the Human Gene Mutation Database (HGMD: prior to June 1st, 2018), and was therefore a candidate for classification through an automated scoring system. Utilizing variant allele frequency, disease prevalence and penetrance estimates, and inheritance mode, an automated score was calculated to assess if this variant is too frequent to cause the disease. Based on the score and internal cut-off values, a variant classified as benign is not then subjected to further curation. The score for this variant resulted in a classification of benign for this disease.

GeneDx
Classification: Benign. Last evaluated: 2015-03-03. Review status: criteria provided, single submitter. Criteria: GeneDx Variant Classification Process June 2021. Collection method: clinical testing. Allele origin: germline. Affected: yes.

Breakthrough Genomics
Classification: Benign. Review status: criteria provided, single submitter. Criteria: ACMG Guidelines, 2015. Collection method: not provided. Allele origin: germline. Inheritance: Autosomal recessive inheritance. Affected: yes.